The following is an entry in ClinVar:

NM_058195.4(CDKN2A):c.97dup (p.Glu33fs)

Gene: CDKN2A (cyclin dependent kinase inhibitor 2A; minus strand). Cytogenetic location: 9p21.3.
Variant type: Duplication.
Coding change: c.97dup on transcript NM_058195.4 (MANE Plus Clinical); coding-DNA position 97, one base duplicated (G; older notation c.97dupG).
Protein change: p.Glu33fs; shifts the reading frame from glutamic acid 33.
Molecular consequence: frameshift variant. On other transcripts: intron variant (1).
Genome position (GRCh38, 1-based): chr9:21,994,235, C duplicated on the plus strand (G on the coding strand, the reverse complement: CDKN2A is on the minus strand); the first of 5 consecutive C bases (chr9:21,994,235-21,994,239); duplicating any one gives the same sequence. VCF-style (leftmost placement, unchanged base first): chr9-21994234-T-TC. GRCh37 (hg19) VCF-style: chr9-21994233-T-TC.
Other names: c.97dupG (NM_058195.3); c.97dup (NM_058195.3); c.-4+586dup (NM_001363763.2); short protein forms E33fs.
Identifiers: ClinVar variation 571028 (VCV000571028.14), dbSNP rs779306249, ClinGen allele CA5012389.

ClinVar aggregate classification (germline): Conflicting classifications of pathogenicity. Review status: criteria provided, conflicting classifications (1 of 4 stars). 7 submissions from 7 submitters: Pathogenic (2); Likely pathogenic (3); Uncertain significance (1). 1 of the submissions does not count toward it. Last evaluated 2025-10-09.

Conditions:
CDKN2A-related disorder. Also called: CDKN2A-related condition.
Familial melanoma. Also called: Hereditary melanoma; Hereditary cutaneous melanoma. Identifiers: Orphanet 618, MedGen C1512419, MONDO:0018961.
Hereditary cancer-predisposing syndrome. Also called: Hereditary Cancer Syndrome; Neoplastic Syndromes, Hereditary; Tumor predisposition; Hereditary neoplastic syndrome. Identifiers: Orphanet 140162, MedGen C0027672, MeSH D009386, MONDO:0015356.
Melanoma-pancreatic cancer syndrome. Identifiers: Orphanet 404560, MedGen C1838547, MONDO:0011713, OMIM 606719. Disease mechanism: loss of function.
Melanoma and neural system tumor syndrome. Also called: MELANOMA-ASTROCYTOMA SYNDROME. Identifiers: Orphanet 252206, MedGen C1835042, MONDO:0007967, OMIM 155755.

Submissions (7):

Ambry Genetics
Classification: Uncertain significance for Hereditary cancer-predisposing syndrome. Last evaluated: 2025-10-09. Review status: criteria provided, single submitter. Criteria: Ambry Variant Classification Scheme 2023. Collection method: clinical testing. Allele origin: germline.
Comment: The c.97dupG variant, located in coding exon 1&beta; of the CDKN2A gene, results from a duplication of G at nucleotide position 97, causing a translational frameshift with a predicted alternate stop codon (p.E33Gfs*30) in the p14(ARF) isoform of CDKN2A. This alteration is expected to result in loss of function by premature protein truncation or nonsense-mediated mRNA decay. However, the evidence supporting a relationship between p14(ARF) and melanoma-pancreatic cancer syndrome is limited, therefore the association of this variant with this gene-disease relationship is unknown. Based on the available evidence, the clinical significance of this variant remains unclear.

Myriad Genetics, Inc.
Classification: Pathogenic for Melanoma-pancreatic cancer syndrome. Last evaluated: 2025-08-12. Review status: criteria provided, single submitter. Criteria: Myriad Autosomal Dominant, Autosomal Recessive and X-Linked Classification Criteria (2023). Collection method: clinical testing. Allele origin: unknown.
Comment: This variant is considered pathogenic. This variant creates a frameshift predicted to result in premature protein truncation.

GeneDx
Classification: Likely pathogenic. Last evaluated: 2023-09-26. Review status: criteria provided, single submitter. Criteria: GeneDx Variant Classification Process June 2021. Collection method: clinical testing. Allele origin: germline. Affected: yes.
Comment: Frameshift variant predicted to result in protein truncation, as the last 100 amino acids are replaced with 29 different amino acids, and other loss-of-function variants have been reported downstream in HGMD; Observed in melanoma patients (Castaneda-Garcia et al., 2022); Not observed at significant frequency in large population cohorts (gnomAD); Reported using an alternate transcript of the gene; This variant is associated with the following publications: (PMID: 37585199, 9529249, 9653180, 16173922, 36451132, 35357426)

Baylor Genetics
Classification: Likely pathogenic for Melanoma and neural system tumor syndrome. Last evaluated: 2023-09-06. Review status: criteria provided, single submitter. Criteria: ACMG Guidelines, 2015. Collection method: clinical testing. Allele origin: unknown.

Quest Diagnostics Nichols Institute San Juan Capistrano
Classification: Likely pathogenic. Last evaluated: 2023-01-30. Review status: criteria provided, single submitter. Criteria: Quest Diagnostics criteria. Collection method: clinical testing. Allele origin: unknown.
Comment: This frameshift variant alters the translational reading frame of the CDKN2A mRNA and is predicted to cause the premature termination of CDKN2A protein synthesis. The variant has not been reported in individuals with CDKN2A-related diseases in the published literature. The frequency of this variant in the general population, 0.000038 (4/105616 chromosomes), is uninformative in assessment of its pathogenicity. Based on the available information, this variant is classified as likely pathogenic.

Labcorp Genetics (formerly Invitae), Labcorp
Classification: Pathogenic for Familial melanoma. Last evaluated: 2021-10-13. Review status: criteria provided, single submitter. Criteria: Invitae Variant Classification Sherloc (09022015). Collection method: clinical testing. Allele origin: germline.
Comment: This sequence change creates a premature translational stop signal (p.Glu33Glyfs*30) in the CDKN2A (p14ARF) gene. It is expected to result in an absent or disrupted protein product. Loss-of-function variants in CDKN2A (p14ARF) are known to be pathogenic (PMID: 11571653, 15856016, 17440112). The frequency data for this variant in the population databases is considered unreliable, as metrics indicate poor data quality at this position in the ExAC database. This variant has not been reported in the literature in individuals affected with CDKN2A (p14ARF)-related conditions. ClinVar contains an entry for this variant (Variation ID: 571028). For these reasons, this variant has been classified as Pathogenic.

PreventionGenetics, part of Exact Sciences
Classification: Uncertain significance for CDKN2A-related condition. Last evaluated: 2024-02-15. Review status: no assertion criteria provided. Collection method: clinical testing. Allele origin: germline. Not counted in ClinVar's aggregate classification.
Comment: The CDKN2A c.97dupG variant is predicted to result in a frameshift and premature protein termination (p.Glu33Glyfs*30). This variant is located in the CDKN2A transcript encoding the p14ARF isoform (NM_058195) but is located in pre-coding region of other transcripts of the CDKN2A gene. This variant is reported in 0.0038% of alleles in individuals of European (Non-Finnish) descent in gnomAD and has conflicting interpretations in ClinVar ranging from uncertain to pathogenic. However, loss of function has not been clearly established as a mechanism of disease for the p14ARF transcript. Therefore, at this time, this variant is interpreted as uncertain due to the absence of conclusive functional and genetic evidence.

Literature cited by the submitters: PubMed 11571653 (cited by Labcorp Genetics (formerly Invitae), Labcorp); PubMed 15856016 (cited by Labcorp Genetics (formerly Invitae), Labcorp); PubMed 17440112 (cited by Labcorp Genetics (formerly Invitae), Labcorp).